The following is an entry in ClinVar:

ClinVar aggregate classification (germline): Likely pathogenic (1 of 4 stars; one submission).

Conditions:
Diamond-Blackfan anemia. Also called: Blackfan Diamond syndrome; Aregenerative anemia chronic congenital; Red cell aplasia, pure hereditary; Congenital hypoplastic anemia; Aase syndrome. Identifiers: Orphanet 124, MedGen C1260899, MeSH D029503, MONDO:0015253, HP:0004810.

Submission:

Ambry Genetics
Classification: Likely pathogenic for Diamond-Blackfan anemia. Last evaluated: 2016-03-03. Review status: criteria provided, single submitter. Criteria: Ambry Variant Classification Scheme 2023. Collection method: clinical testing. Allele origin: germline.
Comment: The c.411+2_+6delTAAGG intronic variant, located 2 nucleotides after coding exon 4 of the RPS19 gene, results from a deletion of 5 nucleotides at positions c.411+2 and c.411+6. This variant was not reported in population based cohorts in the following databases: Database of Single Nucleotide Polymorphisms (dbSNP), NHLBI Exome Sequencing Project (ESP), and 1000 Genomes Project. This nucleotide position is well conserved on limited sequence alignment. Using the BDGP and ESEfinder splice site prediction tools, this alteration is predicted to abolish the native donor splice site; however, direct evidence is unavailable. Alterations that disrupt the canonical splice donor site are typically deleterious in nature (ACMG Recommendations for Standards for Interpretation and Reporting of Sequence Variations. Revision 2007. Genet Med. 2008;10:294). Based on the majority of available evidence to date, this variant is likely to be pathogenic.

NM_001022.4(RPS19):c.411+2_411+6del

Genes: RPS19 (ribosomal protein S19; plus strand), RPS19-CD79A (RPS19-CD79A readthrough; plus strand). Cytogenetic location: 19q13.2.
Variant type: Deletion.
Coding change: c.411+2_411+6del on transcript NM_001022.4 (MANE Select); the canonical splice donor site of the intron after coding-DNA position 411 through 6 bases into the intron after coding-DNA position 411, 5 bases deleted (TAAGG; older notation c.411+2_411+6delTAAGG).
Molecular consequence: splice donor variant.
Genome position (GRCh38, 1-based): chr19:41,869,755-41,869,759, TAAGG deleted; deleting any 5 consecutive bases within chr19:41,869,752-41,869,759 gives the same sequence; the c. name uses the placement nearest the transcript's 3' end. VCF-style (leftmost placement, unchanged base first): chr19-41869751-CAGGTA-C. GRCh37 (hg19) VCF-style: chr19-42373821-CAGGTA-C.
Other names: c.411+2_411+6del (NM_001321484.2, NM_001321483.2); c.424+2_424+6del (NM_001321485.2).
Identifiers: ClinVar variation 1737919 (VCV001737919.2), dbSNP rs2513685131, ClinGen allele CA2580097374.